The following is an entry in ClinVar:

NM_005585.5(SMAD6):c.400G>A (p.Ala134Thr)

Gene: SMAD6 (SMAD family member 6; plus strand). Cytogenetic location: 15q22.31.
Variant type: single nucleotide variant.
Coding change: c.400G>A on transcript NM_005585.5 (MANE Select); coding-DNA position 400, G replaced by A.
Protein change: p.Ala134Thr; replaces alanine 134 with threonine.
Molecular consequence: missense variant. On other transcripts: non-coding transcript variant (1).
Genome position (GRCh38, 1-based): chr15:66,703,658, G>A. VCF-style: chr15-66703658-G-A. GRCh37 (hg19) VCF-style: chr15-66995996-G-A.
Other names: c.400G>A (NM_005585.4); short protein forms A134T.
Identifiers: ClinVar variation 3714575 (VCV003714575.3).

ClinVar aggregate classification (germline): Uncertain significance. Review status: criteria provided, multiple submitters, no conflicts (2 of 4 stars). 2 submissions from 2 submitters: Uncertain significance (2). Last evaluated 2026-03-19.

Conditions:
Inborn genetic diseases. Identifiers: MedGen C0950123, MeSH D030342.
Aortic valve disease 2 (AOVD2). Identifiers: MedGen C3542024, MONDO:0013902, OMIM 614823.

gnomAD v4.1: 11 of 1,231,236 alleles (0.00089%); highest among the groups gnomAD compares: African/African-American, 0.0095%; no homozygotes.

Submissions (2):

Ambry Genetics
Classification: Uncertain significance for Inborn genetic diseases. Last evaluated: 2026-03-19. Review status: criteria provided, single submitter. Criteria: Ambry Variant Classification Scheme 2023. Collection method: clinical testing. Allele origin: germline.

Labcorp Genetics (formerly Invitae), Labcorp
Classification: Uncertain significance for Aortic valve disease 2. Last evaluated: 2025-12-19. Review status: criteria provided, single submitter. Criteria: Invitae Variant Classification Sherloc (09022015). Collection method: clinical testing. Allele origin: germline.
Comment: This sequence change replaces alanine, which is neutral and non-polar, with threonine, which is neutral and polar, at codon 134 of the SMAD6 protein (p.Ala134Thr). This variant is not present in population databases (gnomAD no frequency). This variant has not been reported in the literature in individuals affected with SMAD6-related conditions. ClinVar contains an entry for this variant (Variation ID: 3714575). An algorithm developed to predict the effect of missense changes on protein structure and function (PolyPhen-2) suggests that this variant is likely to be tolerated. In summary, the available evidence is currently insufficient to determine the role of this variant in disease. Therefore, it has been classified as a Variant of Uncertain Significance.